The following is an entry in ClinVar:

ClinVar aggregate classification (germline): Likely pathogenic (1 of 4 stars; one submission).

Conditions:
Familial dysautonomia. Also called: HSAN III; FD. Identifiers: Orphanet 1764, MedGen C0013364, MONDO:0009131, OMIM 223900. Disease mechanism: loss of function.

Submission:

Natera, Inc.
Classification: Likely pathogenic for Familial dysautonomia. Last evaluated: 2024-07-31. Review status: criteria provided, single submitter. Criteria: Natera Variant Classification Schema (03/2026). Collection method: clinical testing. Allele origin: germline.
Comment: The c.3483_3505dup variant in ELP1 is a frameshift variant predicted to shift the reading frame beginning at codon 1169 and leads to a stop codon 13 codons downstream. This variant is expected to result in nonsense mediated decay, truncation, or a dysfunctional protein product. This variant is rare in the general population with a frequency below the threshold expected for the associated phenotype(s). Given the available evidence, this variant is classified as Likely Pathogenic.

NM_003640.5(ELP1):c.3483_3505dup (p.Thr1169fs)

Gene: ELP1 (elongator acetyltransferase complex subunit 1; minus strand). Cytogenetic location: 9q31.3.
Variant type: Duplication.
Coding change: c.3483_3505dup on transcript NM_003640.5 (MANE Select); coding-DNA positions 3483 to 3505, 23 bases duplicated (AGAGTCAGACCTCTTCTCTGAAA).
Protein change: p.Thr1169fs; shifts the reading frame from threonine 1169.
Molecular consequence: frameshift variant.
Genome position (GRCh38, 1-based): chr9:108,879,513-108,879,535, TTTCAGAGAAGAGGTCTGACTCT duplicated on the plus strand (AGAGTCAGACCTCTTCTCTGAAA on the coding strand, the reverse complement: ELP1 is on the minus strand); duplicating any 23 consecutive bases within chr9:108,879,513-108,879,536 gives the same sequence; the c. name uses the placement nearest the transcript's 3' end. VCF-style (leftmost placement, unchanged base first): chr9-108879512-G-GTTTCAGAGAAGAGGTCTGACTCT. GRCh37 (hg19) VCF-style: chr9-111641792-G-GTTTCAGAGAAGAGGTCTGACTCT.
Other names: c.3141_3163dup, p.Thr1055fs (NM_001318360.2); c.2436_2458dup, p.Thr820fs (NM_001330749.2); short protein forms T1055fs, T1169fs, T820fs.
Identifiers: ClinVar variation 4815230 (VCV004815230.1).